The following is an entry in ClinVar:

ClinVar aggregate classification (germline): Likely benign. Review status: criteria provided, multiple submitters, no conflicts (2 of 4 stars). 2 submissions from 2 submitters: Likely benign (2). Last evaluated 2018-06-19.

Allele frequency attached by ClinVar (database versions not stated): TOPMed 0.01449; gnomAD 0.01605 and 0.01562; 1000 Genomes Project 30x 0.00609; gnomAD exomes 0.01867; 1000 Genomes Project 0.00379.
gnomAD v4.1: 3,034 of 188,188 alleles (1.6%); highest among the groups gnomAD compares: Non-Finnish European, 2.4%; 33 homozygotes.

Submissions (2):

GeneDx
Classification: Likely benign. Last evaluated: 2018-06-19. Review status: criteria provided, single submitter. Criteria: GeneDx Variant Classification (06012015). Collection method: clinical testing. Allele origin: germline. Affected: yes.
Comment: This variant is considered likely benign or benign based on one or more of the following criteria: it is a conservative change, it occurs at a poorly conserved position in the protein, it is predicted to be benign by multiple in silico algorithms, and/or has population frequency not consistent with disease.

Breakthrough Genomics
Classification: Likely benign. Review status: criteria provided, single submitter. Criteria: ACMG Guidelines, 2015. Collection method: not provided. Allele origin: germline. Inheritance: Autosomal recessive inheritance. Affected: yes.

NM_005506.3(SCARB2):c.-321A>C

Gene: SCARB2 (scavenger receptor class B member 2; minus strand). Cytogenetic location: 4q21.1.
Variant type: single nucleotide variant.
Coding change: c.-321A>C on transcript NM_005506.3; 321 bases upstream of the start codon, A replaced by C.
Genome position (GRCh38, 1-based): chr4:76,213,864, T>G on the plus strand (A>C on the coding strand, the complement: SCARB2 is on the minus strand). VCF-style: chr4-76213864-T-G. GRCh37 (hg19) VCF-style: chr4-77135017-T-G.
Identifiers: ClinVar variation 670916 (VCV000670916.4), dbSNP rs557285209, ClinGen allele CA99864955.